The following is an entry in ClinVar:

ClinVar aggregate classification (germline): Uncertain significance (1 of 4 stars; one submission).

Conditions:
Familial cancer of breast. Also called: BREAST CANCER, FAMILIAL; Hereditary breast cancer; hereditary breast carcinoma. Identifiers: Orphanet 227535, MedGen C0346153, MONDO:0016419, OMIM 114480. Disease mechanism: loss of function.

Allele frequency attached by ClinVar (database versions not stated): gnomAD exomes 0.00001; ExAC 0.00002.
gnomAD v4.1: 5 of 1,614,226 alleles (0.00031%); highest among the groups gnomAD compares: Non-Finnish European, 0.00042%; 1 homozygote.

Submission:

Labcorp Genetics (formerly Invitae), Labcorp
Classification: Uncertain significance for Familial cancer of breast. Last evaluated: 2020-11-03. Review status: criteria provided, single submitter. Criteria: Invitae Variant Classification Sherloc (09022015). Collection method: clinical testing. Allele origin: germline.
Comment: This sequence change replaces methionine with leucine at codon 664 of the PALB2 protein (p.Met664Leu). The methionine residue is weakly conserved and there is a small physicochemical difference between methionine and leucine. This variant is present in population databases (rs752714298, ExAC 0.004%) but has not been reported in the literature in individuals with a PALB2-related disease. Algorithms developed to predict the effect of missense changes on protein structure and function output the following: SIFT: "Tolerated"; PolyPhen-2: "Benign"; Align-GVGD: "Class C0". The leucine amino acid residue is found in multiple mammalian species, suggesting that this missense change does not adversely affect protein function. These predictions have not been confirmed by published functional studies. In summary, this variant is a rare missense change that is not predicted to affect protein function. There is no indication that it causes disease, but the available evidence is currently insufficient to prove that conclusively. Therefore, it has been classified as a Variant of Uncertain Significance.

NM_024675.4(PALB2):c.1990A>C (p.Met664Leu)

Gene: PALB2 (partner and localizer of BRCA2; minus strand). Cytogenetic location: 16p12.2.
Variant type: single nucleotide variant.
Coding change: c.1990A>C on transcript NM_024675.4 (MANE Select); coding-DNA position 1990, A replaced by C.
Protein change: p.Met664Leu; replaces methionine 664 with leucine.
Molecular consequence: missense variant.
Genome position (GRCh38, 1-based): chr16:23,630,164, T>G on the plus strand (A>C on the coding strand, the complement: PALB2 is on the minus strand). VCF-style: chr16-23630164-T-G. GRCh37 (hg19) VCF-style: chr16-23641485-T-G.
Other names: short protein forms M664L.
Identifiers: ClinVar variation 460921 (VCV000460921.9), dbSNP rs752714298, ClinGen allele CA7963639.